The following is an entry in ClinVar:

ClinVar aggregate classification (germline): Uncertain significance (1 of 4 stars; one submission).

gnomAD v4.1: 2 of 1,614,166 alleles (0.00012%); highest among the groups gnomAD compares: Non-Finnish European, 0.000085%; no homozygotes.

Submission:

Labcorp Genetics (formerly Invitae), Labcorp
Classification: Uncertain significance. Last evaluated: 2025-04-16. Review status: criteria provided, single submitter. Criteria: Invitae Variant Classification Sherloc (09022015). Collection method: clinical testing. Allele origin: germline.
Comment: This sequence change replaces arginine, which is basic and polar, with glycine, which is neutral and non-polar, at codon 613 of the KIF1BP protein (p.Arg613Gly). This variant is not present in population databases (gnomAD no frequency). This variant has not been reported in the literature in individuals affected with KIF1BP-related conditions. An algorithm developed to predict the effect of missense changes on protein structure and function (PolyPhen-2) suggests that this variant is likely to be disruptive. In summary, the available evidence is currently insufficient to determine the role of this variant in disease. Therefore, it has been classified as a Variant of Uncertain Significance.

NM_015634.4(KIFBP):c.1837A>G (p.Arg613Gly)

Gene: KIFBP (kinesin family binding protein; plus strand). Cytogenetic location: 10q22.1.
Variant type: single nucleotide variant.
Coding change: c.1837A>G on transcript NM_015634.4 (MANE Select); coding-DNA position 1837, A replaced by G.
Protein change: p.Arg613Gly; replaces arginine 613 with glycine.
Molecular consequence: missense variant.
Genome position (GRCh38, 1-based): chr10:69,016,387, A>G. VCF-style: chr10-69016387-A-G. GRCh37 (hg19) VCF-style: chr10-70776143-A-G.
Other names: short protein forms R613G.
Identifiers: ClinVar variation 4767391 (VCV004767391.1).